The following is an entry in ClinVar:

NM_003467.3(CXCR4):c.861C>T (p.Thr287=)

Gene: CXCR4 (C-X-C motif chemokine receptor 4; minus strand). Cytogenetic location: 2q22.1.
Variant type: single nucleotide variant.
Coding change: c.861C>T on transcript NM_003467.3 (MANE Select); coding-DNA position 861, C replaced by T.
Protein change: p.Thr287=; no amino-acid change (threonine 287 retained).
Molecular consequence: synonymous variant.
Genome position (GRCh38, 1-based): chr2:136,115,067, G>A on the plus strand (C>T on the coding strand, the complement: CXCR4 is on the minus strand). VCF-style: chr2-136115067-G-A. GRCh37 (hg19) VCF-style: chr2-136872637-G-A.
Other names: c.873C>T, p.Thr291= (NM_001008540.2); c.1074C>T, p.Thr358= (NM_001348056.2); c.960C>T, p.Thr320= (NM_001348059.2); c.816C>T, p.Thr272= (NM_001348060.2).
Identifiers: ClinVar variation 748112 (VCV000748112.14), dbSNP rs535778934, ClinGen allele CA1890068.

ClinVar aggregate classification (germline): Likely benign. Review status: criteria provided, multiple submitters, no conflicts (2 of 4 stars). 3 submissions from 3 submitters: Likely benign (2). 1 of the submissions does not count toward it. Last evaluated 2026-01-25.

Conditions:
CXCR4-related disorder. Also called: CXCR4-related condition.
Warts, hypogammaglobulinemia, infections, and myelokathexis. Also called: WHIM syndrome. Identifiers: MedGen C0472817, MONDO:0023880.

Allele frequency attached by ClinVar (database versions not stated): ExAC 0.00004; gnomAD exomes 0.00004; 1000 Genomes Project 30x 0.00016; gnomAD 0.00016; 1000 Genomes Project 0.00020; TOPMed 0.00040.
gnomAD v4.1: 75 of 1,614,152 alleles (0.0046%); highest among the groups gnomAD compares: Admixed American, 0.05%; no homozygotes.

Submissions (3):

Labcorp Genetics (formerly Invitae), Labcorp
Classification: Likely benign for Warts, hypogammaglobulinemia, infections, and myelokathexis. Last evaluated: 2026-01-25. Review status: criteria provided, single submitter. Criteria: Invitae Variant Classification Sherloc (09022015). Collection method: clinical testing. Allele origin: germline.

Blueprint Genetics
Classification: Likely benign. Last evaluated: 2022-11-08. Review status: criteria provided, single submitter. Criteria: ACMG Guidelines, 2015. Collection method: clinical testing. Allele origin: germline.

PreventionGenetics, part of Exact Sciences
Classification: Likely benign for CXCR4-related condition. Last evaluated: 2019-08-05. Review status: no assertion criteria provided. Collection method: clinical testing. Allele origin: germline. Not counted in ClinVar's aggregate classification.
Comment: This variant is classified as likely benign based on ACMG/AMP sequence variant interpretation guidelines (Richards et al. 2015 PMID: 25741868, with internal and published modifications).